The following is an entry in ClinVar:

NM_201596.3(CACNB2):c.1898G>A (p.Arg633His)

Gene: CACNB2 (calcium voltage-gated channel auxiliary subunit beta 2; plus strand). Cytogenetic location: 10p12.31.
Variant type: single nucleotide variant.
Coding change: c.1898G>A on transcript NM_201596.3 (MANE Select); coding-DNA position 1898, G replaced by A.
Protein change: p.Arg633His; replaces arginine 633 with histidine.
Molecular consequence: missense variant.
Genome position (GRCh38, 1-based): chr10:18,539,639, G>A. VCF-style: chr10-18539639-G-A. GRCh37 (hg19) VCF-style: chr10-18828568-G-A.
Other names: c.1733G>A, p.Arg578His (NM_000724.4); c.1700G>A, p.Arg567His (NM_001167945.2); c.1619G>A, p.Arg540His (NM_001330060.2); c.1754G>A, p.Arg585His (NM_201570.3); c.1814G>A, p.Arg605His (NM_201571.4); c.1742G>A, p.Arg581His (NM_201572.4); c.1736G>A, p.Arg579His (NM_201590.3); c.1784G>A, p.Arg595His (NM_201593.3); and 1 more; short protein forms R579H, R633H, R540H, R605H, R585H, R595H, R609H, R567H.
Identifiers: ClinVar variation 469642 (VCV000469642.9), dbSNP rs780045364, ClinGen allele CA5430201.

ClinVar aggregate classification (germline): Conflicting classifications of pathogenicity. Review status: criteria provided, conflicting classifications (1 of 4 stars). 3 submissions from 3 submitters: Uncertain significance (2); Likely benign (1). Last evaluated 2026-05-29.

Conditions:
CACNB2-related disorder. Also called: CACNB2-related condition.
Cardiovascular phenotype. Identifiers: MedGen CN230736.
Brugada syndrome 4 (BRGDA4). Identifiers: Orphanet 130, MedGen C2678477, MONDO:0012743, OMIM 611876.

Allele frequency attached by ClinVar (database versions not stated): ExAC 0.00003; gnomAD 0.00004; gnomAD exomes 0.00004 and 0.00007.
gnomAD v4.1: 113 of 1,613,404 alleles (0.007%); highest among the groups gnomAD compares: East Asian, 0.025%; no homozygotes.

Submissions (3):

PreventionGenetics, part of Exact Sciences
Classification: Uncertain significance for CACNB2-related condition. Last evaluated: 2026-05-29. Review status: criteria provided, single submitter. Criteria: ACMG Guidelines, 2015. Collection method: clinical testing. Allele origin: germline.
Comment: The CACNB2 c.1736G>A variant is predicted to result in the amino acid substitution p.Arg579His. To our knowledge, this variant has not been reported in the literature. This variant is reported in 0.035% of alleles in individuals of East Asian descent in gnomAD. Although we suspect that this variant may be benign, at this time, the clinical significance of this variant is uncertain due to the absence of conclusive functional and genetic evidence.

Labcorp Genetics (formerly Invitae), Labcorp
Classification: Uncertain significance for Brugada syndrome 4. Last evaluated: 2026-01-12. Review status: criteria provided, single submitter. Criteria: Invitae Variant Classification Sherloc (09022015). Collection method: clinical testing. Allele origin: germline.
Comment: This sequence change replaces arginine, which is basic and polar, with histidine, which is basic and polar, at codon 579 of the CACNB2 protein (p.Arg579His). This variant is present in population databases (rs780045364, gnomAD 0.04%), and has an allele count higher than expected for a pathogenic variant. This variant has not been reported in the literature in individuals affected with CACNB2-related conditions. ClinVar contains an entry for this variant (Variation ID: 469642). An algorithm developed to predict the effect of missense changes on protein structure and function outputs the following: PolyPhen-2: "Benign". The histidine amino acid residue is found in multiple mammalian species, which suggests that this missense change does not adversely affect protein function. In summary, the available evidence is currently insufficient to determine the role of this variant in disease. Therefore, it has been classified as a Variant of Uncertain Significance.

Ambry Genetics
Classification: Likely benign for Cardiovascular phenotype. Last evaluated: 2024-01-29. Review status: criteria provided, single submitter. Criteria: Ambry Variant Classification Scheme 2023. Collection method: clinical testing. Allele origin: germline.